The following is an entry in ClinVar:

ClinVar aggregate classification (germline): Pathogenic. Review status: reviewed by expert panel (3 of 4 stars). 5 submissions from 5 submitters: Pathogenic (1). 4 of the submissions do not count toward it. Last evaluated 2024-12-06.

Conditions:
Hurler syndrome. Also called: Severe MPS I (Hurler Syndrome); MUCOPOLYSACCHARIDOSIS TYPE IH; Gargoylism, Hurler Syndrome. Identifiers: Orphanet 93473, MedGen C0086795, MONDO:0011758, OMIM 607014.
Mucopolysaccharidosis type 1. Also called: IDUA deficiency; MPS I; Mucopolysaccharidosis Type I. Identifiers: Orphanet 579, MedGen C0023786, MONDO:0001586.

Allele frequency attached by ClinVar (database versions not stated): TOPMed below 0.00001; ExAC 0.00001; gnomAD 0.00001.
gnomAD v4.1: 1 of 1,613,136 alleles (0.000062%); highest among the groups gnomAD compares: Non-Finnish European, 0.000085%; no homozygotes.

Submissions (5):

ClinGen Lysosomal Storage Disorder Variant Curation Expert Panel
Classification: Pathogenic for Mucopolysaccharidosis type 1. Last evaluated: 2024-12-06. Review status: reviewed by expert panel. Criteria: ClinGen LSD ACMG Specifications IDUA V1.0.0. Collection method: curation. Allele origin: germline. Inheritance: Autosomal recessive inheritance.
Comment: The NM_000203.5:c.544G>A variant in IDUA is predicted to result in the missense substitution of glutamine by lysine at amino acid 182 (p.Glu182Lys). This residue, Glu182 is one of the active site residues of IDUA; a role that has been shown by multiple homology modeling, crystallography, and functional studies (PMID: 11555618, 15862278, 23959878, 24036510, 24480078). Two patients with MPS 1 have been reported with the variant but there is insufficient evidence to apply PP4. One of these patients, with severe MPS 1 is compound heterozygous for the variant and a variant in IDUA that has been classified as pathogenic by the ClinGen LD VCEP, c.1205G>A (p.Trp402Ter) (ClinGen Variation ID: 11908). The phase is unknown (PMID: 11555618, 12559846). Another patient, with attenuated symptoms, is compound heterozygous for the variant and c.712T>A (p.Leu238Gln); The allelic data for this patient will be used in the assessment of p.Leu238Gln and is not included here to avoid circular logic. (PM3_Supporting). As noted, Glu182 has been shown to be important in the active site of IDUA, and therefore has been defined as a critical residue by the ClinGen Lysosomal Diseases VCEP (PMID: 23959878, 24036510, 24480078) (PM1). When expressed in CHO cells and HAP1 cells , the variant resulted in no IDUA activity across multiple studies (PMID: 11555618, 12559846, 33198351) (PS3_Supporting). The computational predictor REVEL gives a score of 0.928 which is above the threshold of 0.773, evidence that correlates with impact to IDUA function at the moderate level based on the specifications of the ClinGen Lysosomal Diseases VCEP (PMID: 36413997) (PP3_Moderate). The highest population minor allele frequency in gnomAD v4.1.0 is 8.475e-7 (1/1179960 alleles) in the European non-Finnish population which is lower than the ClinGen Lysosomal Diseases VCEP’s threshold for PM2_Supporting (<0.00025), meeting this criterion (PM2_Supporting). Other missense substitutions at the same amino acid have been reported in affected individuals, including c.546G>C (p.Glu182Asp) (PMID: 21480867), and c.544G>C (p.Glu182Gln) (homozygous individual reported in the Iran Variome MPS Database). The LD VCEP has not yet classified these variants and therefore, this data will not be used to support the classification of c.544G>A (p.Glu182Lys). There is a ClinVar entry for this variant (Variation ID: 2198440). The classification has been modified from likely pathogenic to pathogenic based on extensive evidence showing that Glu182 is an active site residue, with multiple functional, crystallography, and modeling studies (stacking evidence). In summary, these variant meets the criteria to be classified as pathogenic for mucopolysaccharidosis type 1. IDUA-specific ACMG/AMP criteria applied, as specified by the ClinGen Lysosomal Diseases Variant Curation Expert Panel (Specifications Version 1.0.0): PM1, PP3_Moderate, PS3_Supporting, PM2_Supporting, PM3_Supporting. (Classification approved by the ClinGen Lysosomal Diseases Variant Curation Expert Panel on December 6, 2024)

Natera, Inc.
Classification: Likely pathogenic for Mucopolysaccharidosis type I. Last evaluated: 2025-06-02. Review status: criteria provided, single submitter. Criteria: Natera Variant Classification Schema (03/2026). Collection method: clinical testing. Allele origin: germline. Not counted in ClinVar's aggregate classification.
Comment: The c.544G>A variant in IDUA is a missense variant predicted to cause substitution of glutamic acid to lysine at amino acid 182. This variant is rare in the general population with a frequency below the threshold expected for the associated phenotype(s). This variant has been observed in one or more individuals affected with the associated recessive disease, as either homozygous or compound heterozygous with a second variant (PMID: 12559846, 24368159, 31194252, 39158768). Functional studies show that this variant may disrupt protein function (PMID: 12559846, 11555618, 33198351). Computational prediction algorithms indicate this variant is likely to affect gene or protein function. Given the available evidence, this variant is classified as Likely Pathogenic.

Dasa
Classification: Likely pathogenic. Last evaluated: 2025-02-01. Review status: criteria provided, single submitter. Criteria: DASA Assertion Criteria. Collection method: clinical testing. Allele origin: germline. Not counted in ClinVar's aggregate classification.
Comment: NM_000203.5(IDUA):c.544G>A (p.Glu182Lys) is a missense variant that results in the substitution of glutamic acid with lysine. The affected residue or protein region has prior evidence supporting clinical relevance. This variant has been reported in individuals with IDUA-related disorders (PMID: 12559846). Functional evidence supports an impact on the gene or gene product. Also, this variant is rare in population databases. Computational evidence supports a deleterious effect. Based on the currently available evidence, this variant is classified as likely pathogenic.

Genomic Medicine Center of Excellence, King Faisal Specialist Hospital and Research Centre
Classification: Likely pathogenic for Hurler syndrome. Last evaluated: 2024-12-19. Review status: criteria provided, single submitter. Criteria: ACMG Guidelines, 2015. Collection method: clinical testing. Allele origin: germline. Not counted in ClinVar's aggregate classification.

Labcorp Genetics (formerly Invitae), Labcorp
Classification: Likely pathogenic for Mucopolysaccharidosis type 1. Last evaluated: 2022-10-18. Review status: criteria provided, single submitter. Criteria: Invitae Variant Classification Sherloc (09022015). Collection method: clinical testing. Allele origin: germline. Not counted in ClinVar's aggregate classification.
Comment: In summary, the currently available evidence indicates that the variant is pathogenic, but additional data are needed to prove that conclusively. Therefore, this variant has been classified as Likely Pathogenic. This variant disrupts the p.Glu182 amino acid residue in IDUA. Other variant(s) that disrupt this residue have been observed in individuals with IDUA-related conditions (PMID: 21480867), which suggests that this may be a clinically significant amino acid residue. Experimental studies have shown that this missense change affects IDUA function (PMID: 11555618, 33198351). Advanced modeling of protein sequence and biophysical properties (such as structural, functional, and spatial information, amino acid conservation, physicochemical variation, residue mobility, and thermodynamic stability) performed at Invitae indicates that this missense variant is expected to disrupt IDUA protein function. This missense change has been observed in individuals with mucopolysaccharidosis type I (PMID: 11555618, 24368159). This variant is present in population databases (rs754154200, gnomAD 0.0009%). This sequence change replaces glutamic acid, which is acidic and polar, with lysine, which is basic and polar, at codon 182 of the IDUA protein (p.Glu182Lys).

Literature cited by the submitters: PubMed 33198351 (cited by 4 submitters); PubMed 12559846 (cited by 3 submitters); PubMed 24368159 (cited by Natera, Inc. and Labcorp Genetics (formerly Invitae), Labcorp); PubMed 31194252 (cited by Natera, Inc.); PubMed 39158768 (cited by Natera, Inc.); PubMed 11555618 (cited by 3 submitters); PubMed 23959878 (cited by Dasa); PubMed 21480867 (cited by Dasa and Labcorp Genetics (formerly Invitae), Labcorp).

NM_000203.5(IDUA):c.544G>A (p.Glu182Lys)

Gene: IDUA (alpha-L-iduronidase; plus strand). Cytogenetic location: 4p16.3.
Variant type: single nucleotide variant.
Coding change: c.544G>A on transcript NM_000203.5 (MANE Select); coding-DNA position 544, G replaced by A.
Protein change: p.Glu182Lys; replaces glutamic acid 182 with lysine.
Molecular consequence: missense variant. On other transcripts: non-coding transcript variant (1).
Genome position (GRCh38, 1-based): chr4:1,001,518, G>A. VCF-style: chr4-1001518-G-A. GRCh37 (hg19) VCF-style: chr4-995306-G-A.
Other names: NM_000203.5(IDUA):c.544G>A; p.Glu182Lys; c.544G>A (NM_000203.4); c.148G>A, p.Glu50Lys (NM_001363576.1); short protein forms E50K, E182K.
Identifiers: ClinVar variation 2198440 (VCV002198440.9), dbSNP rs754154200, ClinGen allele CA2801988.